The following is an entry in ClinVar:

ClinVar aggregate classification (germline): Likely pathogenic (1 of 4 stars; one submission).

Conditions:
Dilated cardiomyopathy 1G (CMD1G). Identifiers: Orphanet 154, MedGen C1858763, MONDO:0011400, OMIM 604145.
Autosomal recessive limb-girdle muscular dystrophy type 2J (LGMDR10). Also called: Limb-girdle muscular dystrophy, type 2J; MUSCULAR DYSTROPHY, LIMB-GIRDLE, AUTOSOMAL RECESSIVE 10. Identifiers: Orphanet 140922, MedGen C1837342, MONDO:0012127, OMIM 608807.

Submission:

Labcorp Genetics (formerly Invitae), Labcorp
Classification: Likely pathogenic for Dilated cardiomyopathy 1G; Autosomal recessive limb-girdle muscular dystrophy type 2J. Last evaluated: 2024-10-10. Review status: criteria provided, single submitter. Criteria: Invitae Variant Classification Sherloc (09022015). Collection method: clinical testing. Allele origin: germline.
Comment: This sequence change creates a premature translational stop signal (p.Val31523Glyfs*11) in the TTN gene. While this is not anticipated to result in nonsense mediated decay, it is expected to create a truncated TTN protein. This variant is not present in population databases (gnomAD no frequency). This variant has not been reported in the literature in individuals affected with TTN-related conditions. Algorithms developed to predict the effect of sequence changes on RNA splicing suggest that this variant may create or strengthen a splice site. This variant is located in the A band of TTN (PMID: 25589632). Truncating variants in this region are significantly overrepresented in patients affected with dilated cardiomyopathy (PMID: 25589632). Truncating variants in this region have also been reported in individuals affected with autosomal recessive centronuclear myopathy (PMID: 23975875). In summary, the currently available evidence indicates that the variant is pathogenic, but additional data are needed to prove that conclusively. Therefore, this variant has been classified as Likely Pathogenic.

Literature cited by the submitters: PubMed 25589632; PubMed 23975875.

NM_001267550.2(TTN):c.94567dup (p.Val31523fs)

Genes: TTN (titin; minus strand), TTN-AS1 (TTN antisense RNA 1; plus strand). Cytogenetic location: 2q31.2.
Variant type: Duplication.
Coding change: c.94567dup on transcript NM_001267550.2 (MANE Select); coding-DNA position 94567, one base duplicated (G; older notation c.94567dupG).
Protein change: p.Val31523fs; shifts the reading frame from valine 31523.
Molecular consequence: frameshift variant.
Genome position (GRCh38, 1-based): chr2:178,546,861, C duplicated on the plus strand (G on the coding strand, the reverse complement: TTN is on the minus strand). VCF-style (leftmost placement, unchanged base first): chr2-178546860-A-AC. GRCh37 (hg19) VCF-style: chr2-179411587-A-AC.
Other names: c.89644dup, p.Val29882fs (NM_001256850.1); c.67372dup, p.Val22458fs (NM_003319.4); c.86863dup, p.Val28955fs (NM_133378.4); c.67747dup, p.Val22583fs (NM_133432.3); c.67948dup, p.Val22650fs (NM_133437.4); short protein forms V22458fs, V22583fs, V22650fs, V28955fs, V29882fs, V31523fs.
Identifiers: ClinVar variation 3759424 (VCV003759424.2).